The following is an entry in ClinVar:

ClinVar aggregate classification (germline): Uncertain significance (1 of 4 stars; one submission).

Allele frequency attached by ClinVar (database versions not stated): gnomAD exomes below 0.00001; ExAC 0.00002.
gnomAD v4.1: 4 of 1,614,080 alleles (0.00025%); highest among the groups gnomAD compares: Non-Finnish European, 0.00017%; no homozygotes.

Submission:

Ambry Genetics
Classification: Uncertain significance. Last evaluated: 2023-02-12. Review status: criteria provided, single submitter. Criteria: Ambry Variant Classification Scheme 2023. Collection method: clinical testing. Allele origin: germline.
Comment: The p.G879R variant (also known as c.2635G>C), located in coding exon 13 of the NPAT gene, results from a G to C substitution at nucleotide position 2635. The glycine at codon 879 is replaced by arginine, an amino acid with dissimilar properties. This amino acid position is conserved. In addition, the in silico prediction for this alteration is inconclusive. Since supporting evidence is limited at this time, the clinical significance of this alteration remains unclear.

NM_002519.3(NPAT):c.2635G>C (p.Gly879Arg)

Gene: NPAT (nuclear protein, coactivator of histone transcription; minus strand). Cytogenetic location: 11q22.3.
Variant type: single nucleotide variant.
Coding change: c.2635G>C on transcript NM_002519.3 (MANE Select); coding-DNA position 2635, G replaced by C.
Protein change: p.Gly879Arg; replaces glycine 879 with arginine.
Molecular consequence: missense variant.
Genome position (GRCh38, 1-based): chr11:108,172,349, C>G on the plus strand (G>C on the coding strand, the complement: NPAT is on the minus strand). VCF-style: chr11-108172349-C-G. GRCh37 (hg19) VCF-style: chr11-108043076-C-G.
Other names: c.2635G>C, p.Gly879Arg (NM_001321307.1); short protein forms G879R.
Identifiers: ClinVar variation 2453794 (VCV002453794.2), dbSNP rs749815110, ClinGen allele CA6263786.